The following is an entry in ClinVar:

NM_001040142.2(SCN2A):c.3955C>T (p.Arg1319Trp)

Gene: SCN2A (sodium voltage-gated channel alpha subunit 2; plus strand). Cytogenetic location: 2q24.3.
Variant type: single nucleotide variant.
Coding change: c.3955C>T on transcript NM_001040142.2 (MANE Select); coding-DNA position 3955, C replaced by T.
Protein change: p.Arg1319Trp; replaces arginine 1319 with tryptophan.
Molecular consequence: missense variant.
Genome position (GRCh38, 1-based): chr2:165,373,330, C>T. VCF-style: chr2-165373330-C-T. GRCh37 (hg19) VCF-style: chr2-166229840-C-T.
Other names: c.3955C>T, p.Arg1319Trp (NM_001040143.2, NM_001371246.1, NM_001371247.1 and 1 more transcripts); short protein forms R1319W.
Identifiers: ClinVar variation 410982 (VCV000410982.12), dbSNP rs190111194, ClinGen allele CA1940198.
Genomic context (GRCh38, chr2:165,373,330, plus strand): 5'-CTTGGTGCCATCAAATCCCTCAGAACACTAAGAGCTCTGAGGCCACTGAGAGCTTTGTCC[C>T]GGTTTGAAGGAATGAGGGTAAGACTGAATGCCTTAGAGTTTGTCAGAATTATTATTGAGA-3'
Protein context (NP_001035232.1, residues 1309-1329): RALRPLRALS[Arg1319Trp]FEGMRVVVNA

ClinVar aggregate classification (germline): Pathogenic/Likely pathogenic. Review status: criteria provided, multiple submitters, no conflicts (2 of 4 stars). 3 submissions from 3 submitters: Pathogenic (1); Likely pathogenic (1). 1 of the submissions does not count toward it. Last evaluated 2022-06-23.

Conditions:
Seizures, benign familial infantile, 3 (BFIS3). Also called: CONVULSIONS, BENIGN FAMILIAL INFANTILE, 3; Familial neonatal seizures. Identifiers: Orphanet 140927, Orphanet 306, MedGen C1843140, MONDO:0011904, OMIM 607745.
Developmental and epileptic encephalopathy, 11 (DEE11). Also called: Early infantile epileptic encephalopathy 11. Identifiers: Orphanet 1934, MedGen C3150987, MONDO:0013388, OMIM 613721.
Episodic ataxia, type 9. Identifiers: MedGen C5394520, MONDO:0030064, OMIM 618924.

Allele frequency attached by ClinVar (database versions not stated): gnomAD exomes below 0.00001; ExAC 0.00001; gnomAD 0.00001; 1000 Genomes Project 30x 0.00016; 1000 Genomes Project 0.00020.

Submissions (3):

Labcorp Genetics (formerly Invitae), Labcorp
Classification: Likely pathogenic for Seizures, benign familial infantile, 3; Developmental and epileptic encephalopathy, 11. Last evaluated: 2022-06-23. Review status: criteria provided, single submitter. Criteria: Invitae Variant Classification Sherloc (09022015). Collection method: clinical testing. Allele origin: germline.
Comment: This variant disrupts the p.Arg1319 amino acid residue in SCN2A. Other variant(s) that disrupt this residue have been determined to be pathogenic (PMID: 15048894, 18479388, 28379373). This suggests that this residue is clinically significant, and that variants that disrupt this residue are likely to be disease-causing. In summary, the currently available evidence indicates that the variant is pathogenic, but additional data are needed to prove that conclusively. Therefore, this variant has been classified as Likely Pathogenic. Algorithms developed to predict the effect of missense changes on protein structure and function are either unavailable or do not agree on the potential impact of this missense change (SIFT: "Deleterious"; PolyPhen-2: "Probably Damaging"; Align-GVGD: "Class C0"). ClinVar contains an entry for this variant (Variation ID: 410982). This missense change has been observed in individual(s) with West syndrome (PMID: 27781031). In at least one individual the variant was observed to be de novo. This variant is present in population databases (rs190111194, gnomAD 0.0009%). This sequence change replaces arginine, which is basic and polar, with tryptophan, which is neutral and slightly polar, at codon 1319 of the SCN2A protein (p.Arg1319Trp).

Neuberg Centre For Genomic Medicine, NCGM
Classification: Pathogenic for Developmental and epileptic encephalopathy, 11. Review status: criteria provided, single submitter. Criteria: ACMG Guidelines, 2015. Collection method: clinical testing. Allele origin: germline. Affected: yes.
Comment: The missense variant p.R1319W in SCN2A (NM_021007.3) causes the same amino acid change as a previously established pathogenic variant. This variant has been observed to be de novo in an individual affected with West syndrome (Møller RS et al). The missense variant c.3955C>T (p.R1319W) in SCN2A (NM_021007.3) is observed in 1/113374 (0.0009%) alleles from individuals of European (Non-Finnish) background in the gnomAD dataset (Exome Aggregation Consortium et al., 2016), but was not seen in the homozygous state. It has been submitted to ClinVar as Pathogenic.The p.R1319W missense variant is predicted to be damaging by both SIFT and PolyPhen2. The arginine residue at codon 1319 of SCN2A is conserved in all mammalian species. The nucleotide c.3955 in SCN2A is predicted conserved by GERP++ and PhyloP across 100 vertebrates. For these reasons, this variant has been classified as Likely Pathogenic.

Service de Génétique Moléculaire, Hôpital Robert Debré
Classification: Pathogenic for Developmental and epileptic encephalopathy, 11; Episodic ataxia, type 9; Seizures, benign familial infantile, 3. Last evaluated: 2020-04-16. Review status: no assertion criteria provided. Collection method: clinical testing. Allele origin: unknown. Affected: yes. Not counted in ClinVar's aggregate classification.

Literature cited by the submitters: PubMed 15048894 (cited by Labcorp Genetics (formerly Invitae), Labcorp); PubMed 18479388 (cited by Labcorp Genetics (formerly Invitae), Labcorp); PubMed 28379373 (cited by Labcorp Genetics (formerly Invitae), Labcorp); PubMed 27781031 (cited by Labcorp Genetics (formerly Invitae), Labcorp).